The following is an entry in ClinVar:

ClinVar aggregate classification (germline): Uncertain significance (1 of 4 stars; one submission).

gnomAD v4.1: 1 of 1,614,048 alleles (0.000062%); highest among the groups gnomAD compares: Admixed American, 0.0017%; no homozygotes.

Submission:

Labcorp Genetics (formerly Invitae), Labcorp
Classification: Uncertain significance. Last evaluated: 2024-03-11. Review status: criteria provided, single submitter. Criteria: Invitae Variant Classification Sherloc (09022015). Collection method: clinical testing. Allele origin: germline.
Comment: This sequence change replaces threonine, which is neutral and polar, with asparagine, which is neutral and polar, at codon 463 of the TOPORS protein (p.Thr463Asn). This variant is not present in population databases (gnomAD no frequency). This variant has not been reported in the literature in individuals affected with TOPORS-related conditions. ClinVar contains an entry for this variant (Variation ID: 1465564). An algorithm developed to predict the effect of missense changes on protein structure and function (PolyPhen-2) suggests that this variant is likely to be disruptive. In summary, the available evidence is currently insufficient to determine the role of this variant in disease. Therefore, it has been classified as a Variant of Uncertain Significance.

NM_005802.5(TOPORS):c.1388C>A (p.Thr463Asn)

Gene: TOPORS (TOP1 binding arginine/serine rich protein, E3 ubiquitin ligase; minus strand). Cytogenetic location: 9p21.1.
Variant type: single nucleotide variant.
Coding change: c.1388C>A on transcript NM_005802.5 (MANE Select); coding-DNA position 1388, C replaced by A.
Protein change: p.Thr463Asn; replaces threonine 463 with asparagine.
Molecular consequence: missense variant.
Genome position (GRCh38, 1-based): chr9:32,543,137, G>T on the plus strand (C>A on the coding strand, the complement: TOPORS is on the minus strand). VCF-style: chr9-32543137-G-T. GRCh37 (hg19) VCF-style: chr9-32543135-G-T.
Other names: c.1193C>A, p.Thr398Asn (NM_001195622.2); short protein forms T398N, T463N.
Identifiers: ClinVar variation 1465564 (VCV001465564.6), dbSNP rs777634455, ClinGen allele CA373170128.